The following is an entry in ClinVar:

ClinVar aggregate classification (germline): Uncertain significance (1 of 4 stars; one submission).

Conditions:
Hereditary cancer-predisposing syndrome. Also called: Neoplastic Syndromes, Hereditary; Tumor predisposition; Hereditary Cancer Syndrome; Hereditary neoplastic syndrome. Identifiers: Orphanet 140162, MedGen C0027672, MeSH D009386, MONDO:0015356.

Submissions (2):

Ambry Genetics
Classification: Uncertain significance for Hereditary cancer-predisposing syndrome. Last evaluated: 2026-07-02. Review status: criteria provided, single submitter. Criteria: Ambry Variant Classification Scheme 2023. Collection method: clinical testing. Allele origin: germline.
Comment: The p.D401Y variant (also known as c.1201G>T) is located in coding exon 5 of the AXIN2 gene. The aspartic acid at codon 401 is replaced by tyrosine, an amino acid with highly dissimilar properties. This change occurs in the first base pair of coding exon 5. This amino acid position is conserved. In addition, the in silico prediction for this alteration is inconclusive. Based on the available evidence, the clinical significance of this variant remains unclear.

Dr. Peter K. Rogan Lab, Western University
No classification provided (evidence only). Condition: Thymoma. Review status: no classification provided. Collection method: in vitro. Allele origin: not applicable. Functional consequence: retained intron. Not counted in ClinVar's aggregate classification.

NM_004655.4(AXIN2):c.1201G>T (p.Asp401Tyr)

Gene: AXIN2 (axin 2; minus strand). Cytogenetic location: 17q24.1.
Variant type: single nucleotide variant.
Coding change: c.1201G>T on transcript NM_004655.4 (MANE Select); coding-DNA position 1201, G replaced by T.
Protein change: p.Asp401Tyr; replaces aspartic acid 401 with tyrosine.
Molecular consequence: missense variant.
Genome position (GRCh38, 1-based): chr17:65,537,835, C>A on the plus strand (G>T on the coding strand, the complement: AXIN2 is on the minus strand). VCF-style: chr17-65537835-C-A. GRCh37 (hg19) VCF-style: chr17-63533953-C-A.
Other names: NC_000017.10:g.63533953C>A; c.1201G>T, p.Asp401Tyr (NM_001363813.1); short protein forms D401Y.
Identifiers: ClinVar variation 4425651 (VCV004425651.2).